The following is an entry in ClinVar:

ClinVar aggregate classification (germline): Likely pathogenic (1 of 4 stars; one submission).

Allele frequency attached by ClinVar (database versions not stated): gnomAD exomes 0.00001; TOPMed 0.00002.

Submission:

GeneDx
Classification: Likely pathogenic. Last evaluated: 2019-02-15. Review status: criteria provided, single submitter. Criteria: GeneDx Variant Classification (06012015). Collection method: clinical testing. Allele origin: germline. Affected: yes.
Comment: The c.99dupT variant in the LIAS gene has not been reported previously as a pathogenic variant nor as a benign variant, to our knowledge. The c.99dupT variant causes a frameshift starting with codon Lysine 34, changes this amino acid to a premature Stop codon, denoted p.Lys34Ter. This variant is predicted to cause loss of normal protein function either through protein truncation or nonsense-mediated mRNA decay. The c.99dupT variant is not observed in large population cohorts (Lek et al., 2016). We interpret c.99dupT as a likely pathogenic variant.

NM_006859.4(LIAS):c.99dup (p.Lys34Ter)

Gene: LIAS (lipoic acid synthetase; plus strand). Cytogenetic location: 4p14.
Variant type: Duplication.
Coding change: c.99dup on transcript NM_006859.4 (MANE Select); coding-DNA position 99, one base duplicated (T; older notation c.99dupT).
Protein change: p.Lys34Ter; replaces lysine 34 with a stop codon.
Molecular consequence: nonsense.
Genome position (GRCh38, 1-based): chr4:39,460,843, T duplicated. VCF-style (leftmost placement, unchanged base first): chr4-39460842-A-AT. GRCh37 (hg19) VCF-style: chr4-39462462-A-AT.
Other names: c.99dup, p.Lys34Ter (NM_001278590.2, NM_001278591.2, NM_001278592.2 and 2 more transcripts); short protein forms K34*.
Identifiers: ClinVar variation 817587 (VCV000817587.1), dbSNP rs1362202777, ClinGen allele CA794711287.
Genomic context (GRCh38, chr4:39,460,842, plus strand): 5'-TTCTTTAGGTATTTGGGAGATATTTTTGCAGCCCAGTCAGACCGTTAAGCTCCTTGCCAG[A>AT]TAAAAAAAAGGAACTCCTACAGAATGGACCAGACCTTCAAGATTTTGTATCTGGTGATCT-3'